The following is an entry in ClinVar:

NM_004380.3(CREBBP):c.7269A>T (p.Glu2423Asp)

Gene: CREBBP (CREB binding lysine acetyltransferase; minus strand). Cytogenetic location: 16p13.3.
Variant type: single nucleotide variant.
Coding change: c.7269A>T on transcript NM_004380.3 (MANE Select); coding-DNA position 7269, A replaced by T.
Protein change: p.Glu2423Asp; replaces glutamic acid 2423 with aspartic acid.
Molecular consequence: missense variant.
Genome position (GRCh38, 1-based): chr16:3,727,778, T>A on the plus strand (A>T on the coding strand, the complement: CREBBP is on the minus strand). VCF-style: chr16-3727778-T-A. GRCh37 (hg19) VCF-style: chr16-3777779-T-A.
Other names: c.7155A>T, p.Glu2385Asp (NM_001079846.1); short protein forms E2385D, E2423D.
Identifiers: ClinVar variation 4802895 (VCV004802895.1).

ClinVar aggregate classification (germline): Uncertain significance (1 of 4 stars; one submission).

Conditions:
Rubinstein-Taybi syndrome (RSTS). Identifiers: Orphanet 783, MedGen C0035934, MONDO:0019188.

Submission:

Labcorp Genetics (formerly Invitae), Labcorp
Classification: Uncertain significance for Rubinstein-Taybi syndrome. Last evaluated: 2025-08-29. Review status: criteria provided, single submitter. Criteria: Invitae Variant Classification Sherloc (09022015). Collection method: clinical testing. Allele origin: germline.
Comment: This sequence change replaces glutamic acid, which is acidic and polar, with aspartic acid, which is acidic and polar, at codon 2423 of the CREBBP protein (p.Glu2423Asp). This variant is not present in population databases (gnomAD no frequency). This variant has not been reported in the literature in individuals affected with CREBBP-related conditions. Invitae Evidence Modeling of protein sequence and biophysical properties (such as structural, functional, and spatial information, amino acid conservation, physicochemical variation, residue mobility, and thermodynamic stability) indicates that this missense variant is not expected to disrupt CREBBP protein function with a negative predictive value of 95%. In summary, the available evidence is currently insufficient to determine the role of this variant in disease. Therefore, it has been classified as a Variant of Uncertain Significance.